The following is an entry in ClinVar:

NM_000059.4:c.(7007+1_7008-1)_(10307_?)del

Gene: BRCA2 (BRCA2 DNA repair associated; plus strand).
Variant type: Deletion.
Other names: c.(7007+1_7008-1)_(10307_?)del (NM_000059.4).
Identifiers: ClinVar variation 1691865 (VCV001691865.1).

ClinVar aggregate classification (germline): Pathogenic (1 of 4 stars; one submission).

Conditions:
Breast-ovarian cancer, familial, susceptibility to, 2 (BROVCA2). Also called: BRCA2 Hereditary Breast and Ovarian Cancer. Identifiers: Orphanet 145, MedGen C2675520, MONDO:0012933, OMIM 612555. Disease mechanism: loss of function.

Submission:

Institute of Human Genetics, University of Leipzig Medical Center
Classification: Pathogenic for Breast-ovarian cancer, familial, susceptibility to, 2. Last evaluated: 2022-05-03. Review status: criteria provided, single submitter. Criteria: ACMG Guidelines, 2015. Collection method: clinical testing. Allele origin: unknown. Affected: yes.
Comment: _x000D_ Criteria applied: PVS1, PM2_SUP, PS4_SUP